The following is an entry in ClinVar:

NM_001297.5(CNGB1):c.865G>A (p.Val289Met)

Gene: CNGB1 (cyclic nucleotide gated channel subunit beta 1; minus strand). Cytogenetic location: 16q21.
Variant type: single nucleotide variant.
Coding change: c.865G>A on transcript NM_001297.5 (MANE Select); coding-DNA position 865, G replaced by A.
Protein change: p.Val289Met; replaces valine 289 with methionine.
Molecular consequence: missense variant.
Genome position (GRCh38, 1-based): chr16:57,957,350, C>T on the plus strand (G>A on the coding strand, the complement: CNGB1 is on the minus strand). VCF-style: chr16-57957350-C-T. GRCh37 (hg19) VCF-style: chr16-57991254-C-T.
Other names: c.865G>A, p.Val289Met (NM_001135639.2); c.847G>A, p.Val283Met (NM_001286130.2); short protein forms V283M, V289M.
Identifiers: ClinVar variation 2141684 (VCV002141684.1), dbSNP rs1453280409, ClinGen allele CA396076404.

ClinVar aggregate classification (germline): Uncertain significance (1 of 4 stars; one submission).

Allele frequency attached by ClinVar (database versions not stated): gnomAD exomes below 0.00001; gnomAD 0.00001; TOPMed 0.00003.
gnomAD v4.1: 6 of 1,613,962 alleles (0.00037%); highest among the groups gnomAD compares: African/African-American, 0.0053%; no homozygotes.

Submission:

Labcorp Genetics (formerly Invitae), Labcorp
Classification: Uncertain significance. Last evaluated: 2022-05-20. Review status: criteria provided, single submitter. Criteria: Invitae Variant Classification Sherloc (09022015). Collection method: clinical testing. Allele origin: germline.
Comment: This sequence change replaces valine, which is neutral and non-polar, with methionine, which is neutral and non-polar, at codon 289 of the CNGB1 protein (p.Val289Met). This variant is not present in population databases (gnomAD no frequency). This variant has not been reported in the literature in individuals affected with CNGB1-related conditions. Advanced modeling of protein sequence and biophysical properties (such as structural, functional, and spatial information, amino acid conservation, physicochemical variation, residue mobility, and thermodynamic stability) performed at Invitae indicates that this missense variant is not expected to disrupt CNGB1 protein function. In summary, the available evidence is currently insufficient to determine the role of this variant in disease. Therefore, it has been classified as a Variant of Uncertain Significance.